The following is an entry in ClinVar:

ClinVar aggregate classification (germline): Uncertain significance. Review status: criteria provided, multiple submitters, no conflicts (2 of 4 stars). 4 submissions from 4 submitters: Uncertain significance (4). Last evaluated 2024-12-11.

Conditions:
LRP5-related disorder. Also called: LRP5-related condition.
Osteoporosis. Identifiers: MedGen C0029456, MONDO:0005298, OMIM 166710, HP:0000939.
Worth disease. Also called: ENDOSTEAL HYPEROSTOSIS, AUTOSOMAL DOMINANT; Autosomal dominant osteosclerosis, Worth type; OSTEOSCLEROSIS, AUTOSOMAL DOMINANT. Identifiers: Orphanet 2790, MedGen C0432273, MONDO:0007764, OMIM 144750.
Polycystic liver disease 4 with or without kidney cysts. Identifiers: MedGen C4693479, MONDO:0044327, OMIM 617875.
Osteoporosis with pseudoglioma (OPPG). Also called: osteoporosis-pseudoglioma syndrome. Identifiers: Orphanet 2788, MedGen C0432252, MONDO:0009820, OMIM 259770.
Autosomal dominant osteopetrosis 1 (OPTA1). Also called: OSTEOPETROSIS, AUTOSOMAL DOMINANT, TYPE I. Identifiers: Orphanet 2783, MedGen C1843330, MONDO:0011877, OMIM 607634.
Bone mineral density quantitative trait locus 1 (BMND1). Identifiers: MedGen C1866079, OMIM 601884.
Exudative vitreoretinopathy 4 (EVR4). Identifiers: Orphanet 891, MedGen C1866176, MONDO:0011151, OMIM 601813.
Exudative vitreoretinopathy 1 (EVR1). Also called: FEVR, AUTOSOMAL DOMINANT; Familial exudative vitreoretinopathy, autosomal dominant; CRISWICK-SCHEPENS SYNDROME. Identifiers: Orphanet 891, Orphanet 90050, MedGen C1851402, MONDO:0007589, OMIM 133780.

Allele frequency attached by ClinVar (database versions not stated): TOPMed 0.00001; gnomAD 0.00003.
gnomAD v4.1: 47 of 1,613,744 alleles (0.0029%); highest among the groups gnomAD compares: Middle Eastern, 0.033%; no homozygotes.

Submissions (4):

PreventionGenetics, part of Exact Sciences
Classification: Uncertain significance for LRP5-related condition. Last evaluated: 2024-12-11. Review status: criteria provided, single submitter. Criteria: ACMG Guidelines, 2015. Collection method: clinical testing. Allele origin: germline.
Comment: The LRP5 c.407A>C variant is predicted to result in the amino acid substitution p.Asn136Thr. To our knowledge, this variant has not been reported in the literature. This variant is reported in 0.0047% of alleles in individuals of European (Non-Finnish) descent in gnomAD. A different variant affecting the same amino acid (p.Asn136Lys) was reported in an individual with osteoporosis (Table 2, Caetano da Silva. 2021. PubMed ID: 33939331). At this time, the clinical significance of this variant is uncertain due to the absence of conclusive functional and genetic evidence.

Labcorp Genetics (formerly Invitae), Labcorp
Classification: Uncertain significance. Last evaluated: 2024-04-25. Review status: criteria provided, single submitter. Criteria: Invitae Variant Classification Sherloc (09022015). Collection method: clinical testing. Allele origin: germline.
Comment: This sequence change replaces asparagine, which is neutral and polar, with threonine, which is neutral and polar, at codon 136 of the LRP5 protein (p.Asn136Thr). This variant is present in population databases (rs759063931, gnomAD 0.004%). This variant has not been reported in the literature in individuals affected with LRP5-related conditions. ClinVar contains an entry for this variant (Variation ID: 498738). Advanced modeling of protein sequence and biophysical properties (such as structural, functional, and spatial information, amino acid conservation, physicochemical variation, residue mobility, and thermodynamic stability) performed at Invitae indicates that this missense variant is not expected to disrupt LRP5 protein function with a negative predictive value of 95%. In summary, the available evidence is currently insufficient to determine the role of this variant in disease. Therefore, it has been classified as a Variant of Uncertain Significance.

Fulgent Genetics
Classification: Uncertain significance for Exudative vitreoretinopathy 1; Worth disease; Osteoporosis; Osteoporosis with pseudoglioma; Exudative vitreoretinopathy 4; Bone mineral density quantitative trait locus 1; Autosomal dominant osteopetrosis 1; Polycystic liver disease 4 with or without kidney cysts. Last evaluated: 2021-08-24. Review status: criteria provided, single submitter. Criteria: ACMG Guidelines, 2015. Collection method: clinical testing. Allele origin: unknown.

Eurofins Ntd Llc (ga)
Classification: Uncertain significance. Last evaluated: 2016-12-27. Review status: criteria provided, single submitter. Criteria: EGL Classification Definitions 2015. Collection method: clinical testing. Allele origin: germline. Observed: 1 variant allele, 1 heterozygote.

NM_002335.4(LRP5):c.407A>C (p.Asn136Thr)

Gene: LRP5 (LDL receptor related protein 5; plus strand). Cytogenetic location: 11q13.2.
Variant type: single nucleotide variant.
Coding change: c.407A>C on transcript NM_002335.4 (MANE Select); coding-DNA position 407, A replaced by C.
Protein change: p.Asn136Thr; replaces asparagine 136 with threonine.
Molecular consequence: missense variant. On other transcripts: 5 prime UTR variant (1).
Genome position (GRCh38, 1-based): chr11:68,348,162, A>C. VCF-style: chr11-68348162-A-C. GRCh37 (hg19) VCF-style: chr11-68115630-A-C.
Other names: c.-1359A>C (NM_001291902.2); short protein forms N136T.
Identifiers: ClinVar variation 498738 (VCV000498738.15), dbSNP rs759063931, ClinGen allele CA6148981.